The following is an entry in ClinVar:

NM_001165963.4(SCN1A):c.1466T>A (p.Leu489Ter)

Gene: SCN1A (sodium voltage-gated channel alpha subunit 1; minus strand). Cytogenetic location: 2q24.3.
Variant type: single nucleotide variant.
Coding change: c.1466T>A on transcript NM_001165963.4 (MANE Select); coding-DNA position 1466, T replaced by A.
Protein change: p.Leu489Ter; replaces leucine 489 with a stop codon.
Molecular consequence: nonsense. On other transcripts: non-coding transcript variant (1), 5 prime UTR variant (1).
Genome position (GRCh38, 1-based): chr2:166,045,239, A>T on the plus strand (T>A on the coding strand, the complement: SCN1A is on the minus strand). VCF-style: chr2-166045239-A-T. GRCh37 (hg19) VCF-style: chr2-166901749-A-T.
Other names: c.1466T>A, p.Leu489Ter (NM_001165964.3, NM_001202435.3, NM_001353948.2 and 7 more transcripts); c.1463T>A, p.Leu488Ter (NM_001353954.2, NM_001353955.2, NM_001353960.2); c.-960T>A (NM_001353961.2); short protein forms L488*, L489*.
Identifiers: ClinVar variation 2430164 (VCV002430164.2), dbSNP rs1553545740, ClinGen allele CA349069707.

ClinVar aggregate classification (germline): Likely pathogenic (1 of 4 stars; one submission).

Conditions:
Severe myoclonic epilepsy in infancy (DRVT). Also called: Epileptic encephalopathy, early infantile, 6 (Dravet syndrome); SEVERE MYOCLONIC EPILEPSY OF INFANCY; DEVELOPMENTAL AND EPILEPTIC ENCEPHALOPATHY 6A; Severe Myoclonic Epilepsy in Infancy (SMEI); Dravet syndrome. Identifiers: Orphanet 33069, MedGen C0751122, MONDO:0100135, OMIM 607208.

Submission:

Lifecell International Pvt. Ltd
Classification: Likely pathogenic for Severe myoclonic epilepsy in infancy. Review status: criteria provided, single submitter. Criteria: ACMG Guidelines, 2015. Collection method: clinical testing. Allele origin: germline. Inheritance: Autosomal dominant inheritance. Affected: yes. Observed: 1 heterozygote.
Comment: A heterozygous nonsense variation in exon 13 of the SCN1A gene (c.1466T>A) that results in a stop codon and premature truncation of the protein at codon 489 (p.Leu489Ter) was detected. The observed variant is not present in both the 1000 Genomes and gnomAD databases. The reference base is conserved across the species and in-silico predictions by CADD and Mutation taster are damaging. This variant is predicted to cause loss of normal protein function through protein truncation. The gene SCN1A has a low rate of benign loss of function variants as indicated by a high LoF variants Z-Score of 7.90. The p.Leu489Ter variant is a loss of function variant in the gene SCN1A, which is intolerant of Loss of Function variants, as indicated by the presence of existing pathogenic loss of function variant NP_001159435.1:p.Met1Iso and 453 others. There are 313 downstream pathogenic loss of function variants, with the furthest variant being 1437 residues downstream of the variant p.Leu489Ter. Based on the above evidence this variant has been classified as Likely pathogenic according to the ACMG guidelines.